The following is an entry in ClinVar:

ClinVar aggregate classification (germline): Uncertain significance (1 of 4 stars; one submission).

gnomAD v4.1: 25 of 1,612,980 alleles (0.0015%); highest among the groups gnomAD compares: East Asian, 0.0045%; no homozygotes.

Submission:

Labcorp Genetics (formerly Invitae), Labcorp
Classification: Uncertain significance. Last evaluated: 2022-06-08. Review status: criteria provided, single submitter. Criteria: Invitae Variant Classification Sherloc (09022015). Collection method: clinical testing. Allele origin: germline.
Comment: This sequence change affects codon 614 of the CAD mRNA. It is a 'silent' change, meaning that it does not change the encoded amino acid sequence of the CAD protein. This variant also falls at the last nucleotide of exon 12, which is part of the consensus splice site for this exon. This variant is present in population databases (no rsID available, gnomAD 0.007%). This variant has not been reported in the literature in individuals affected with CAD-related conditions. Variants that disrupt the consensus splice site are a relatively common cause of aberrant splicing (PMID: 17576681, 9536098). Algorithms developed to predict the effect of sequence changes on RNA splicing suggest that this variant may create or strengthen a splice site. In summary, the available evidence is currently insufficient to determine the role of this variant in disease. Therefore, it has been classified as a Variant of Uncertain Significance.

Literature cited by the submitters: PubMed 17576681; PubMed 9536098.

NM_004341.5(CAD):c.1842G>A (p.Thr614=)

Gene: CAD (carbamoyl-phosphate synthetase 2, aspartate transcarbamylase, and dihydroorotase; plus strand). Cytogenetic location: 2p23.3.
Variant type: single nucleotide variant.
Coding change: c.1842G>A on transcript NM_004341.5 (MANE Select); coding-DNA position 1842, G replaced by A.
Protein change: p.Thr614=; no amino-acid change (threonine 614 retained).
Molecular consequence: synonymous variant.
Genome position (GRCh38, 1-based): chr2:27,225,926, G>A. VCF-style: chr2-27225926-G-A. GRCh37 (hg19) VCF-style: chr2-27448794-G-A.
Other names: c.1842G>A, p.Thr614= (NM_001306079.2).
Identifiers: ClinVar variation 2420119 (VCV002420119.4), dbSNP rs778481242, ClinGen allele CA44499159.
Genomic context (GRCh38, chr2:27,225,926, plus strand): 5'-GAAGGGATGGAAGGAGATTGAGTACGAGGTGGTGAGAGACGCCTATGGCAACTGTGTCAC[G>A]GTGAGTGAATGGGGGAAGGGTGGGCGTCGTGTCAGGCAGGATGAGCTTTTGGAAGAGCAG-3'
Protein context (NP_004332.2, residues 604-624): VVRDAYGNCV[Thr614=]VCNMENLDPL